The following is an entry in ClinVar:

NM_000057.4(BLM):c.3862T>C (p.Trp1288Arg)

Gene: BLM (BLM RecQ like helicase; plus strand). Cytogenetic location: 15q26.1.
Variant type: single nucleotide variant.
Coding change: c.3862T>C on transcript NM_000057.4 (MANE Select); coding-DNA position 3862, T replaced by C.
Protein change: p.Trp1288Arg; replaces tryptophan 1288 with arginine.
Molecular consequence: missense variant.
Genome position (GRCh38, 1-based): chr15:90,809,247, T>C. VCF-style: chr15-90809247-T-C. GRCh37 (hg19) VCF-style: chr15-91352477-T-C.
Other names: c.3862T>C, p.Trp1288Arg (NM_001287246.2); c.3469T>C, p.Trp1157Arg (NM_001287247.2); c.2737T>C, p.Trp913Arg (NM_001287248.2); short protein forms W1288R, W1157R, W913R.
Identifiers: ClinVar variation 955669 (VCV000955669.10), dbSNP rs1897350898, ClinGen allele CA393849826.
Genomic context (GRCh38, chr15:90,809,247, plus strand): 5'-GAAGACAAACTGGAAAAATATGGTGCGGAAGTGATTTCAGTATTACAGAAATACTCTGAA[T>C]GGACATCGCCAGGTTAGTACACAGCCATGTGTGTTCTCTAAAAGCCTGTTTAATGTGAAG-3'
Protein context (NP_000048.1, residues 1278-1298): VISVLQKYSE[Trp1288Arg]TSPAEDSSPG

ClinVar aggregate classification (germline): Uncertain significance (1 of 4 stars; one submission).

Conditions:
Bloom syndrome (BLM). Also called: Bloom-Torre-Machacek syndrome. Identifiers: Orphanet 125, MedGen C0005859, MONDO:0008876, OMIM 210900.

Submission:

Labcorp Genetics (formerly Invitae), Labcorp
Classification: Uncertain significance for Bloom syndrome. Last evaluated: 2019-07-23. Review status: criteria provided, single submitter. Criteria: Invitae Variant Classification Sherloc (09022015). Collection method: clinical testing. Allele origin: germline.
Comment: This sequence change replaces tryptophan with arginine at codon 1288 of the BLM protein (p.Trp1288Arg). The tryptophan residue is moderately conserved and there is a moderate physicochemical difference between tryptophan and arginine. This variant is not present in population databases (ExAC no frequency). This variant has not been reported in the literature in individuals with BLM-related conditions. Algorithms developed to predict the effect of missense changes on protein structure and function (SIFT, PolyPhen-2, Align-GVGD) all suggest that this variant is likely to be tolerated, but these predictions have not been confirmed by published functional studies and their clinical significance is uncertain. In summary, the available evidence is currently insufficient to determine the role of this variant in disease. Therefore, it has been classified as a Variant of Uncertain Significance.